The following is an entry in ClinVar:

NM_015311.3(OBSL1):c.2534A>T (p.Gln845Leu)

Gene: OBSL1 (obscurin like cytoskeletal adaptor 1; minus strand). Cytogenetic location: 2q35.
Variant type: single nucleotide variant.
Coding change: c.2534A>T on transcript NM_015311.3 (MANE Select); coding-DNA position 2534, A replaced by T.
Protein change: p.Gln845Leu; replaces glutamine 845 with leucine.
Molecular consequence: missense variant.
Genome position (GRCh38, 1-based): chr2:219,563,501, T>A on the plus strand (A>T on the coding strand, the complement: OBSL1 is on the minus strand). VCF-style: chr2-219563501-T-A. GRCh37 (hg19) VCF-style: chr2-220428223-T-A.
Other names: c.2534A>T, p.Gln845Leu (NM_001173408.2, NM_001173431.2); short protein forms Q845L.
Identifiers: ClinVar variation 1379784 (VCV001379784.7), dbSNP rs765971382, ClinGen allele CA2131189.
Genomic context (GRCh38, chr2:219,563,501, plus strand): 5'-ACCAGGCGGCGATGGGGCCCCTCATTCTCCAGCACCACGAAGTCACTCTCCTCCACCTCC[T>A]GCCCGTCCTTGTACCAACGCACAGGGGCGTCCTCTCGGTCCACCTCACAGGCCAGCATGA-3'
Protein context (NP_056126.1, residues 835-855): DAPVRWYKDG[Gln845Leu]EVEESDFVVL

ClinVar aggregate classification (germline): Uncertain significance (1 of 4 stars; one submission).

Allele frequency attached by ClinVar (database versions not stated): gnomAD exomes 0.00001; ExAC 0.00002.
gnomAD v4.1: 8 of 1,613,910 alleles (0.0005%); highest among the groups gnomAD compares: South Asian, 0.0077%; no homozygotes.

Submission:

Labcorp Genetics (formerly Invitae), Labcorp
Classification: Uncertain significance. Last evaluated: 2021-04-14. Review status: criteria provided, single submitter. Criteria: Invitae Variant Classification Sherloc (09022015). Collection method: clinical testing. Allele origin: germline.
Comment: This variant has not been reported in the literature in individuals with OBSL1-related conditions. This sequence change replaces glutamine with leucine at codon 845 of the OBSL1 protein (p.Gln845Leu). The glutamine residue is moderately conserved and there is a moderate physicochemical difference between glutamine and leucine. This variant is present in population databases (rs765971382, ExAC 0.02%). Algorithms developed to predict the effect of missense changes on protein structure and function (SIFT, PolyPhen-2, Align-GVGD) all suggest that this variant is likely to be tolerated, but these predictions have not been confirmed by published functional studies and their clinical significance is uncertain. In summary, the available evidence is currently insufficient to determine the role of this variant in disease. Therefore, it has been classified as a Variant of Uncertain Significance.